The following is an entry in ClinVar:

NM_001077418.3(TMEM231):c.124G>A (p.Ala42Thr)

Gene: TMEM231 (transmembrane protein 231; minus strand). Cytogenetic location: 16q23.1.
Variant type: single nucleotide variant.
Coding change: c.124G>A on transcript NM_001077418.3 (MANE Select); coding-DNA position 124, G replaced by A.
Protein change: p.Ala42Thr; replaces alanine 42 with threonine.
Molecular consequence: missense variant. On other transcripts: nonsense (1), non-coding transcript variant (1).
Genome position (GRCh38, 1-based): chr16:75,556,086, C>T on the plus strand (G>A on the coding strand, the complement: TMEM231 is on the minus strand). VCF-style: chr16-75556086-C-T. GRCh37 (hg19) VCF-style: chr16-75589984-C-T.
Other names: c.186G>A, p.Trp62Ter (NM_001077416.2); short protein forms W62*, A42T.
Identifiers: ClinVar variation 1458388 (VCV001458388.7), dbSNP rs1197109885, ClinGen allele CA396810035.
Genomic context (GRCh38, chr16:75,556,086, plus strand): 5'-GCGCGCCCGGGGAGCCTCGTGGCACAGCGGCCGGGGCAGGCTCACCGTGGCTCCGGAAGG[C>T]CACCAGCAGCGGCGGGATGTACGTGAGCGCAGCGGCCAGCAGCAGGAACAGCGCGGCTTT-3'
Protein context (NP_001070886.1, residues 32-52): ALTYIPPLLV[Ala42Thr]FRSHGFWLKR

ClinVar aggregate classification (germline): Pathogenic/Likely pathogenic. Review status: criteria provided, multiple submitters, no conflicts (2 of 4 stars). 2 submissions from 2 submitters: Pathogenic (1); Likely pathogenic (1). Last evaluated 2023-11-10.

Conditions:
TMEM231-related disorder. Also called: TMEM231-related condition.
Meckel syndrome, type 11 (MKS11). Identifiers: Orphanet 564, MedGen C3809352, MONDO:0014164, OMIM 615397.
Joubert syndrome 20 (JBTS20). Identifiers: Orphanet 475, MedGen C3554235, MONDO:0013994, OMIM 614970.

Allele frequency attached by ClinVar (database versions not stated): gnomAD exomes 0.00001 and 0.00002; TOPMed 0.00001; gnomAD 0.00002.
gnomAD v4.1: 23 of 1,568,478 alleles (0.0015%); highest among the groups gnomAD compares: Non-Finnish European, 0.002%; no homozygotes.

Submissions (2):

Labcorp Genetics (formerly Invitae), Labcorp
Classification: Pathogenic for Joubert syndrome 20; Meckel syndrome, type 11. Last evaluated: 2023-11-10. Review status: criteria provided, single submitter. Criteria: Invitae Variant Classification Sherloc (09022015). Collection method: clinical testing. Allele origin: germline.
Comment: This sequence change creates a premature translational stop signal (p.Trp62*) in the TMEM231 gene. It is expected to result in an absent or disrupted protein product. Loss-of-function variants in TMEM231 are known to be pathogenic (PMID: 23012439, 23349226). The frequency data for this variant in the population databases is considered unreliable, as metrics indicate poor data quality at this position in the gnomAD database. This variant has not been reported in the literature in individuals affected with TMEM231-related conditions. ClinVar contains an entry for this variant (Variation ID: 1458388). For these reasons, this variant has been classified as Pathogenic.

Blueprint Genetics
Classification: Likely pathogenic for TMEM231-related disorders. Last evaluated: 2022-11-02. Review status: criteria provided, single submitter. Criteria: ACMG Guidelines, 2015. Collection method: clinical testing. Allele origin: germline. Affected: yes. Observed: 4 variant alleles.

Literature cited by the submitters: PubMed 23012439 (cited by Labcorp Genetics (formerly Invitae), Labcorp); PubMed 23349226 (cited by Labcorp Genetics (formerly Invitae), Labcorp).